The following is an entry in ClinVar:

ClinVar aggregate classification (germline): Conflicting classifications of pathogenicity. Review status: criteria provided, conflicting classifications (1 of 4 stars). 3 submissions from 3 submitters: Uncertain significance (2); Likely benign (1). Last evaluated 2025-01-15.

Conditions:
Inborn genetic diseases. Identifiers: MedGen C0950123, MeSH D030342.

Allele frequency attached by ClinVar (database versions not stated): ExAC 0.00001; TOPMed 0.00001; gnomAD 0.00002; gnomAD exomes 0.00002.
gnomAD v4.1: 35 of 1,608,746 alleles (0.0022%); highest among the groups gnomAD compares: Non-Finnish European, 0.0029%; no homozygotes.

Submissions (3):

Ambry Genetics
Classification: Uncertain significance for Inborn genetic diseases. Last evaluated: 2025-01-15. Review status: criteria provided, single submitter. Criteria: Ambry Variant Classification Scheme 2023. Collection method: clinical testing. Allele origin: germline.

GeneDx
Classification: Uncertain significance. Last evaluated: 2022-11-02. Review status: criteria provided, single submitter. Criteria: GeneDx Variant Classification Process June 2021. Collection method: clinical testing. Allele origin: germline. Affected: yes.
Comment: In silico analysis supports that this missense variant does not alter protein structure/function; Has not been previously published as pathogenic or benign to our knowledge

Blueprint Genetics
Classification: Likely benign. Last evaluated: 2018-10-05. Review status: criteria provided, single submitter. Criteria: ACMG Guidelines, 2015. Collection method: clinical testing. Allele origin: germline.

NM_002700.3(POU4F3):c.462C>G (p.His154Gln)

Genes: POU4F3 (POU class 4 homeobox 3; plus strand), RBM27-POU4F3 (RBM27-POU4F3 readthrough; plus strand). Cytogenetic location: 5q32.
Variant type: single nucleotide variant.
Coding change: c.462C>G on transcript NM_002700.3 (MANE Select); coding-DNA position 462, C replaced by G.
Protein change: p.His154Gln; replaces histidine 154 with glutamine.
Molecular consequence: missense variant. On other transcripts: 3 prime UTR variant (1).
Genome position (GRCh38, 1-based): chr5:146,339,889, C>G. VCF-style: chr5-146339889-C-G. GRCh37 (hg19) VCF-style: chr5-145719452-C-G.
Other names: c.*331C>G (NM_001414499.1); short protein forms H154Q.
Identifiers: ClinVar variation 2501581 (VCV002501581.3), dbSNP rs758480837, ClinGen allele CA3491137.